The following is an entry in ClinVar:

NM_001094.5(ASIC2):c.547T>C (p.Phe183Leu)

Genes: ASIC2 (acid sensing ion channel subunit 2; minus strand), LOC105371735 (uncharacterized LOC105371735; plus strand). Cytogenetic location: 17q12.
Variant type: single nucleotide variant.
Coding change: c.547T>C on transcript NM_001094.5; coding-DNA position 547, T replaced by C.
Protein change: p.Phe183Leu; replaces phenylalanine 183 with leucine.
Molecular consequence: missense variant. On other transcripts: non-coding transcript variant (1).
Genome position (GRCh38, 1-based): chr17:34,155,986, A>G on the plus strand (T>C on the coding strand, the complement: ASIC2 is on the minus strand). VCF-style: chr17-34155986-A-G. GRCh37 (hg19) VCF-style: chr17-32483005-A-G.
Other names: short protein forms F183L.
Identifiers: ClinVar variation 4154625 (VCV004154625.1).

ClinVar aggregate classification (germline): Uncertain significance (1 of 4 stars; one submission).

Submission:

Ambry Genetics
Classification: Uncertain significance. Last evaluated: 2025-08-20. Review status: criteria provided, single submitter. Criteria: Ambry Variant Classification Scheme 2023. Collection method: clinical testing. Allele origin: germline.
Comment: The c.547T>C (p.F183L) alteration is located in exon (coding exon ) of the ASIC2 gene. This alteration results from a T to C substitution at nucleotide position 547, causing the phenylalanine (F) at amino acid position 183 to be replaced by a leucine (L). Based on insufficient or conflicting evidence, the clinical significance of this alteration remains unclear.